The following is an entry in ClinVar:

NM_000238.4(KCNH2):c.1724A>T (p.Glu575Val)

Gene: KCNH2 (potassium voltage-gated channel subfamily H member 2; minus strand). Cytogenetic location: 7q36.1.
Variant type: single nucleotide variant.
Coding change: c.1724A>T on transcript NM_000238.4 (MANE Select); coding-DNA position 1724, A replaced by T.
Protein change: p.Glu575Val; replaces glutamic acid 575 with valine.
Molecular consequence: missense variant. On other transcripts: non-coding transcript variant (2).
Genome position (GRCh38, 1-based): chr7:150,951,669, T>A on the plus strand (A>T on the coding strand, the complement: KCNH2 is on the minus strand). VCF-style: chr7-150951669-T-A. GRCh37 (hg19) VCF-style: chr7-150648757-T-A.
Other names: c.704A>T, p.Glu235Val (NM_001204798.2, NM_172057.3); c.1436A>T, p.Glu479Val (NM_001406753.1, NM_001406756.1); c.1547A>T, p.Glu516Val (NM_001406755.1); c.1424A>T, p.Glu475Val (NM_001406757.1); c.1724A>T, p.Glu575Val (NM_172056.3); short protein forms E475V, E235V, E479V, E516V, E575V.
Identifiers: ClinVar variation 3862762 (VCV003862762.1).

ClinVar aggregate classification (germline): Uncertain significance (1 of 4 stars; one submission).

Conditions:
Cardiovascular phenotype. Identifiers: MedGen CN230736.

Submission:

Ambry Genetics
Classification: Uncertain significance for Cardiovascular phenotype. Last evaluated: 2025-01-30. Review status: criteria provided, single submitter. Criteria: Ambry Variant Classification Scheme 2023. Collection method: clinical testing. Allele origin: germline.
Comment: The p.E575V variant (also known as c.1724A>T), located in coding exon 7 of the KCNH2 gene, results from an A to T substitution at nucleotide position 1724. The glutamic acid at codon 575 is replaced by valine, an amino acid with dissimilar properties. This amino acid position is highly conserved in available vertebrate species. In addition, this alteration is predicted to be deleterious by in silico analysis. Based on the available evidence, the clinical significance of this variant remains unclear.